The following is an entry in ClinVar:

ClinVar aggregate classification (germline): Uncertain significance (1 of 4 stars; one submission).

Conditions:
Pontocerebellar hypoplasia, hypotonia, and respiratory insufficiency syndrome, neonatal lethal. Also called: PHRINL SYNDROME. Identifiers: Orphanet 615954, MedGen C5394137, MONDO:0032931, OMIM 618810.
Harel-Yoon syndrome (HAYOS). Also called: Optic atrophy-peripheral neuropathy-developmental delay syndrome. Identifiers: Orphanet 496790, MedGen C4310677, MONDO:0014958, OMIM 617183.

Allele frequency attached by ClinVar (database versions not stated): TOPMed below 0.00001; gnomAD exomes 0.00002.
gnomAD v4.1: 28 of 1,614,030 alleles (0.0017%); highest among the groups gnomAD compares: Non-Finnish European, 0.0024%; no homozygotes.

Submission:

Breda Genetics srl
Classification: Uncertain significance for Harel-Yoon syndrome; Pontocerebellar hypoplasia, hypotonia, and respiratory insufficiency syndrome, neonatal lethal. Last evaluated: 2021-04-19. Review status: criteria provided, single submitter. Criteria: ACMG Guidelines, 2015. Collection method: clinical testing. Allele origin: germline. Inheritance: Autosomal recessive inheritance. Affected: yes. Observed: 1 variant allele, 1 heterozygote.
Comment: Based on allele frequency, in-silico prediction scores and a certain overlap with the clinical phenotype, we interpreted this variant at least as of uncertain significance. The lack of one or more of the following features has discouraged further investigations: lack of a possible second hit in autosomal recessive conditions, presence of healthy controls in databases for autosomal dominant conditions, presence of unmatching cardinal clinical features in the patient or in the known gene-disease association, and/or variant type outside the known gene mutational spectrum.

NM_001170535.3(ATAD3A):c.1006A>G (p.Arg336Gly)

Gene: ATAD3A (ATPase family AAA domain containing 3A; plus strand). Cytogenetic location: 1p36.33.
Variant type: single nucleotide variant.
Coding change: c.1006A>G on transcript NM_001170535.3 (MANE Select); coding-DNA position 1006, A replaced by G.
Protein change: p.Arg336Gly; replaces arginine 336 with glycine.
Molecular consequence: missense variant.
Genome position (GRCh38, 1-based): chr1:1,523,881, A>G. VCF-style: chr1-1523881-A-G. GRCh37 (hg19) VCF-style: chr1-1459261-A-G.
Other names: c.769A>G, p.Arg257Gly (NM_001170536.3); c.1150A>G, p.Arg384Gly (NM_018188.5); short protein forms R257G, R336G, R384G.
Identifiers: ClinVar variation 1298337 (VCV001298337.1), dbSNP rs1641700970, ClinGen allele CA337857530.
Genomic context (GRCh38, chr1:1,523,881, plus strand): 5'-CCCCGTCTTCCCCGGCAGCCCAGCCTGGAAGCACGGGTGCGCGACATCGCCATAGCAACA[A>G]GGAACACCAAGAAGAACCGCAGCCTGTACAGGAACATCCTGATGTACGGGCCACCAGGCA-3'
Protein context (NP_001164006.1, residues 326-346): ARVRDIAIAT[Arg336Gly]NTKKNRSLYR